The following is an entry in ClinVar:

ClinVar aggregate classification (germline): Conflicting classifications of pathogenicity. Review status: criteria provided, conflicting classifications (1 of 4 stars). 2 submissions from 2 submitters: Uncertain significance (1); Likely benign (1). Last evaluated 2025-08-12.

Allele frequency attached by ClinVar (database versions not stated): TOPMed 0.00164; gnomAD 0.00180; ExAC 0.00213; ESP Exome Variant Server 0.00223; gnomAD exomes 0.00259.
gnomAD v4.1: 4,038 of 1,612,986 alleles (0.25%); highest among the groups gnomAD compares: Non-Finnish European, 0.3%; 8 homozygotes.

Submissions (2):

Ambry Genetics
Classification: Uncertain significance. Last evaluated: 2025-08-12. Review status: criteria provided, single submitter. Criteria: Ambry Variant Classification Scheme 2023. Collection method: clinical testing. Allele origin: germline.

CeGaT Center for Human Genetics Tuebingen
Classification: Likely benign. Last evaluated: 2023-01-01. Review status: criteria provided, single submitter. Criteria: CeGaT Center For Human Genetics Tuebingen Variant Classification Criteria Version 2. Collection method: clinical testing. Allele origin: germline. Affected: yes. Observed: 1 variant allele.
Comment: CNTNAP3: BP4, BS2

NM_033655.5(CNTNAP3):c.2323G>A (p.Glu775Lys)

Gene: CNTNAP3 (contactin associated protein family member 3). Cytogenetic location: 9p12.
Variant type: single nucleotide variant.
Coding change: c.2323G>A on transcript NM_033655.5 (MANE Select); coding-DNA position 2323, G replaced by A.
Protein change: p.Glu775Lys; replaces glutamic acid 775 with lysine.
Molecular consequence: missense variant.
Genome position (GRCh38, 1-based): chr9:39,109,202, C>T on the plus strand (G>A on the coding strand, the complement: CNTNAP3 is on the minus strand). VCF-style: chr9-39109202-C-T. GRCh37 (hg19) VCF-style: chr9-39109199-C-T.
Other names: c.2320G>A, p.Glu774Lys (NM_001393379.1); c.2323G>A (NM_033655.3); short protein forms E774K, E775K.
Identifiers: ClinVar variation 2659202 (VCV002659202.25), dbSNP rs144691316, ClinGen allele CA5065403.